The following is an entry in ClinVar:

NM_015107.3(PHF8):c.2318G>C (p.Arg773Pro)

Gene: PHF8 (PHD finger protein 8; minus strand). Cytogenetic location: Xp11.22.
Variant type: single nucleotide variant.
Coding change: c.2318G>C on transcript NM_015107.3 (MANE Select); coding-DNA position 2318, G replaced by C.
Protein change: p.Arg773Pro; replaces arginine 773 with proline.
Molecular consequence: missense variant.
Genome position (GRCh38, 1-based): chrX:53,985,039, C>G on the plus strand (G>C on the coding strand, the complement: PHF8 is on the minus strand). VCF-style: chrX-53985039-C-G. GRCh37 (hg19) VCF-style: chrX-54011472-C-G.
Other names: c.2426G>C, p.Arg809Pro (NM_001184896.1); c.2015G>C, p.Arg672Pro (NM_001184897.2); c.2267G>C, p.Arg756Pro (NM_001184898.2); short protein forms R672P, R756P, R773P, R809P.
Identifiers: ClinVar variation 1804980 (VCV001804980.2), dbSNP rs371107125, ClinGen allele CA413252242.

ClinVar aggregate classification (germline): Uncertain significance. Review status: criteria provided, multiple submitters, no conflicts (2 of 4 stars). 2 submissions from 2 submitters: Uncertain significance (2). Last evaluated 2025-06-09.

Conditions:
Inborn genetic diseases. Identifiers: MedGen C0950123, MeSH D030342.
Intellectual developmental disorder, X-linked, syndromic, Siderius type. Also called: Syndromic X-linked intellectual disability Siderius type. Identifiers: Orphanet 85287, MedGen C1846055, MONDO:0010286, OMIM 300263.

gnomAD v4.1: 2 of 1,211,031 alleles (0.00017%); highest among the groups gnomAD compares: Middle Eastern, 0.023%; no homozygotes.

Submissions (2):

Ambry Genetics
Classification: Uncertain significance for Inborn genetic diseases. Last evaluated: 2025-06-09. Review status: criteria provided, single submitter. Criteria: Ambry Variant Classification Scheme 2023. Collection method: clinical testing. Allele origin: germline.

Victorian Clinical Genetics Services, Murdoch Childrens Research Institute
Classification: Uncertain significance for Intellectual developmental disorder, X-linked, syndromic, Siderius type. Last evaluated: 2021-05-06. Review status: criteria provided, single submitter. Criteria: ACMG Guidelines, 2015. Collection method: clinical testing. Allele origin: germline. Inheritance: X-linked recessive inheritance. Affected: yes.
Comment: Based on the classification scheme VCGS_Germline_v1.3.4, this variant is classified as VUS-3B. Following criteria are met: 0102 - Loss of function is a known mechanism of disease in this gene and is associated with X-linked intellectual disability syndrome, Siderius type (MIM#300263). (I) 0109 - This gene is associated with X-linked recessive disease. (I) 0200 - Variant is predicted to result in a missense amino acid change from arginine to proline. (I) 0253 - This variant is hemizygous. (I) 0301 - Variant is absent from gnomAD (both v2 and v3). (SP) 0309 - An alternative amino acid change at the same position has been observed in gnomAD (v2) (0 heterozygotes, 0 homozygotes, 4 hemizygotes). (I) 0502 - Missense variant with conflicting in silico predictions and uninformative conservation. (I) 0604 - Variant is not located in an established domain, motif, hotspot or informative constraint region. (I) 0705 - No comparable missense variants have previous evidence for pathogenicity. (I) 0807 - This variant has no previous evidence of pathogenicity. (I) 0905 - No published segregation evidence has been identified for this variant. (I) 1007 - No published functional evidence has been identified for this variant. (I) Legend: (SP) - Supporting pathogenic, (I) - Information, (SB) - Supporting benign